The following is an entry in ClinVar:

NM_001853.4(COL9A3):c.1229G>A (p.Ser410Asn)

Gene: COL9A3 (collagen type IX alpha 3 chain; plus strand). Cytogenetic location: 20q13.33.
Variant type: single nucleotide variant.
Coding change: c.1229G>A on transcript NM_001853.4 (MANE Select); coding-DNA position 1229, G replaced by A.
Protein change: p.Ser410Asn; replaces serine 410 with asparagine.
Molecular consequence: missense variant.
Genome position (GRCh38, 1-based): chr20:62,830,530, G>A. VCF-style: chr20-62830530-G-A. GRCh37 (hg19) VCF-style: chr20-61461882-G-A.
Other names: short protein forms S410N.
Identifiers: ClinVar variation 1393586 (VCV001393586.6), dbSNP rs756924447, ClinGen allele CA9949841.

ClinVar aggregate classification (germline): Uncertain significance (1 of 4 stars; one submission).

Allele frequency attached by ClinVar (database versions not stated): ExAC 0.00001.
gnomAD v4.1: 1 of 1,608,764 alleles (0.000062%); highest among the groups gnomAD compares: Non-Finnish European, 0.000085%; no homozygotes.

Submission:

Labcorp Genetics (formerly Invitae), Labcorp
Classification: Uncertain significance. Last evaluated: 2022-03-09. Review status: criteria provided, single submitter. Criteria: Invitae Variant Classification Sherloc (09022015). Collection method: clinical testing. Allele origin: germline.
Comment: This variant has not been reported in the literature in individuals affected with COL9A3-related conditions. The frequency data for this variant in the population databases is considered unreliable, as metrics indicate poor data quality at this position in the gnomAD database. This sequence change replaces serine, which is neutral and polar, with asparagine, which is neutral and polar, at codon 410 of the COL9A3 protein (p.Ser410Asn). In summary, the available evidence is currently insufficient to determine the role of this variant in disease. Therefore, it has been classified as a Variant of Uncertain Significance. Advanced modeling of protein sequence and biophysical properties (such as structural, functional, and spatial information, amino acid conservation, physicochemical variation, residue mobility, and thermodynamic stability) performed at Invitae indicates that this missense variant is not expected to disrupt COL9A3 protein function.